The following is an entry in ClinVar:

NM_022489.4(INF2):c.2901G>A (p.Gln967=)

Gene: INF2 (inverted formin 2; plus strand). Cytogenetic location: 14q32.33.
Variant type: single nucleotide variant.
Coding change: c.2901G>A on transcript NM_022489.4 (MANE Select); coding-DNA position 2901, G replaced by A.
Protein change: p.Gln967=; no amino-acid change (glutamine 967 retained).
Molecular consequence: synonymous variant.
Genome position (GRCh38, 1-based): chr14:104,713,467, G>A. VCF-style: chr14-104713467-G-A. GRCh37 (hg19) VCF-style: chr14-105179804-G-A.
Other names: c.2901G>A, p.Gln967= (NM_001031714.4); c.2901G>A (NM_022489.3).
Identifiers: ClinVar variation 1963185 (VCV001963185.6), dbSNP rs1292771089, ClinGen allele CA488448295.

ClinVar aggregate classification (germline): Likely benign. Review status: criteria provided, single submitter (1 of 4 stars). 2 submissions from 2 submitters: Likely benign (1). 1 of the submissions does not count toward it. Last evaluated 2025-06-12.

Conditions:
Focal segmental glomerulosclerosis 5 (FSGS5). Identifiers: Orphanet 656, MedGen C2750475, MONDO:0013191, OMIM 613237.
Charcot-Marie-Tooth disease dominant intermediate E. Also called: CHARCOT-MARIE-TOOTH NEUROPATHY WITH FOCAL SEGMENTAL GLOMERULONEPHRITIS. Identifiers: Orphanet 93114, MedGen C4302667, MONDO:0013758, OMIM 614455.
INF2-related disorder. Also called: INF2-related condition.

Allele frequency attached by ClinVar (database versions not stated): gnomAD 0.00001; TOPMed 0.00001.
gnomAD v4.1: 3 of 1,611,358 alleles (0.00019%); highest among the groups gnomAD compares: African/African-American, 0.004%; no homozygotes.

Submissions (2):

Labcorp Genetics (formerly Invitae), Labcorp
Classification: Likely benign for Charcot-Marie-Tooth disease dominant intermediate E; Focal segmental glomerulosclerosis 5. Last evaluated: 2025-06-12. Review status: criteria provided, single submitter. Criteria: Invitae Variant Classification Sherloc (09022015). Collection method: clinical testing. Allele origin: germline.

PreventionGenetics, part of Exact Sciences
Classification: Likely benign for INF2-related condition. Last evaluated: 2024-05-22. Review status: no assertion criteria provided. Collection method: clinical testing. Allele origin: germline. Not counted in ClinVar's aggregate classification.
Comment: This variant is classified as likely benign based on ACMG/AMP sequence variant interpretation guidelines (Richards et al. 2015 PMID: 25741868, with internal and published modifications).